The following is an entry in ClinVar:

ClinVar aggregate classification (germline): Conflicting classifications of pathogenicity. Review status: criteria provided, conflicting classifications (1 of 4 stars). 2 submissions from 2 submitters: Uncertain significance (1); Likely benign (1). Last evaluated 2025-05-21.

Conditions:
Neurofibromatosis, type 1 (NF1). Also called: VON RECKLINGHAUSEN DISEASE; NEUROFIBROMATOSIS, TYPE I, SOMATIC; Peripheral type neurofibromatosis; Neurofibromatosis, type I. Identifiers: Orphanet 636, MedGen C0027831, MONDO:0018975, OMIM 162200. Disease mechanism: loss of function.
Hereditary cancer-predisposing syndrome. Also called: Hereditary neoplastic syndrome; Neoplastic Syndromes, Hereditary; Tumor predisposition; Hereditary Cancer Syndrome. Identifiers: Orphanet 140162, MedGen C0027672, MeSH D009386, MONDO:0015356.
Cardiovascular phenotype. Identifiers: MedGen CN230736.

Allele frequency attached by ClinVar (database versions not stated): ExAC 0.00001; gnomAD exomes 0.00001.
gnomAD v4.1: 4 of 1,613,846 alleles (0.00025%); highest among the groups gnomAD compares: South Asian, 0.0044%; no homozygotes.

Submissions (2):

Ambry Genetics
Classification: Likely benign for Cardiovascular phenotype; Hereditary cancer-predisposing syndrome. Last evaluated: 2025-05-21. Review status: criteria provided, single submitter. Criteria: Ambry Variant Classification Scheme 2023. Collection method: clinical testing. Allele origin: germline.

Labcorp Genetics (formerly Invitae), Labcorp
Classification: Uncertain significance for Neurofibromatosis, type 1. Last evaluated: 2025-04-28. Review status: criteria provided, single submitter. Criteria: Invitae Variant Classification Sherloc (09022015). Collection method: clinical testing. Allele origin: germline.
Comment: This sequence change replaces tyrosine, which is neutral and polar, with serine, which is neutral and polar, at codon 794 of the NF1 protein (p.Tyr794Ser). This variant is present in population databases (rs773624220, gnomAD 0.006%). This variant has not been reported in the literature in individuals affected with NF1-related conditions. ClinVar contains an entry for this variant (Variation ID: 1047075). Invitae Evidence Modeling of protein sequence and biophysical properties (such as structural, functional, and spatial information, amino acid conservation, physicochemical variation, residue mobility, and thermodynamic stability) indicates that this missense variant is not expected to disrupt NF1 protein function with a negative predictive value of 95%. In summary, the available evidence is currently insufficient to determine the role of this variant in disease. Therefore, it has been classified as a Variant of Uncertain Significance.

NM_001042492.3(NF1):c.2381A>C (p.Tyr794Ser)

Gene: NF1 (neurofibromin 1; plus strand). Cytogenetic location: 17q11.2.
Variant type: single nucleotide variant.
Coding change: c.2381A>C on transcript NM_001042492.3 (MANE Select); coding-DNA position 2381, A replaced by C.
Protein change: p.Tyr794Ser; replaces tyrosine 794 with serine.
Molecular consequence: missense variant.
Genome position (GRCh38, 1-based): chr17:31,227,578, A>C. VCF-style: chr17-31227578-A-C. GRCh37 (hg19) VCF-style: chr17-29554596-A-C.
Other names: c.2381A>C, p.Tyr794Ser (NM_000267.4); short protein forms Y794S.
Identifiers: ClinVar variation 1047075 (VCV001047075.7), dbSNP rs773624220, ClinGen allele CA8485968.